The following is an entry in ClinVar:

ClinVar aggregate classification (germline): Uncertain significance (1 of 4 stars; one submission).

Conditions:
Hepatic veno-occlusive disease-immunodeficiency syndrome. Also called: Hepatic Veno-Occlusive Disease with Immunodeficiency. Identifiers: Orphanet 79124, MedGen C1856128, MONDO:0009338, OMIM 235550. Disease mechanism: loss of function.

gnomAD v4.1: 19 of 1,614,146 alleles (0.0012%); highest among the groups gnomAD compares: South Asian, 0.018%; no homozygotes.

Submission:

Labcorp Genetics (formerly Invitae), Labcorp
Classification: Uncertain significance for Hepatic veno-occlusive disease-immunodeficiency syndrome. Last evaluated: 2025-03-31. Review status: criteria provided, single submitter. Criteria: Invitae Variant Classification Sherloc (09022015). Collection method: clinical testing. Allele origin: germline.
Comment: This sequence change replaces glycine, which is neutral and non-polar, with aspartic acid, which is acidic and polar, at codon 610 of the SP110 protein (p.Gly610Asp). This variant is present in population databases (rs565324119, gnomAD 0.01%). This variant has not been reported in the literature in individuals affected with SP110-related conditions. An algorithm developed to predict the effect of missense changes on protein structure and function (PolyPhen-2) suggests that this variant is likely to be disruptive. In summary, the available evidence is currently insufficient to determine the role of this variant in disease. Therefore, it has been classified as a Variant of Uncertain Significance.

NM_080424.4(SP110):c.1901G>A (p.Gly634Asp)

Gene: SP110 (SP110 nuclear body protein; minus strand). Cytogenetic location: 2q37.1.
Variant type: single nucleotide variant.
Coding change: c.1901G>A on transcript NM_080424.4 (MANE Select); coding-DNA position 1901, G replaced by A.
Protein change: p.Gly634Asp; replaces glycine 634 with aspartic acid.
Molecular consequence: missense variant. On other transcripts: intron variant (1).
Genome position (GRCh38, 1-based): chr2:230,170,748, C>T on the plus strand (G>A on the coding strand, the complement: SP110 is on the minus strand). VCF-style: chr2-230170748-C-T. GRCh37 (hg19) VCF-style: chr2-231035464-C-T.
Other names: c.1997G>A, p.Gly666Asp (NM_001378442.1); c.1979G>A, p.Gly660Asp (NM_001378443.1); c.1919G>A, p.Gly640Asp (NM_001378444.1); c.1847G>A, p.Gly616Asp (NM_001378445.1); c.1829G>A, p.Gly610Asp (NM_004509.5); c.1833+1318G>A (NM_001378446.1); short protein forms G640D, G610D, G666D, G616D, G634D, G660D.
Identifiers: ClinVar variation 4769095 (VCV004769095.1).
Genomic context (GRCh38, chr2:230,170,748, plus strand): 5'-ATTTCCGTAATCAGCCTTTCCTTAACCAGGTCCAACCACATTGCTTCCTGAAAGGGCTCA[C>T]CGTAATCTCGAATCTTGGGGACAAAGCCACCAGAGGTGACGTTAGCACAGCTGTCATCAC-3'
Protein context (NP_536349.3, residues 624-644): TGIPFNIRDY[Gly634Asp]EPFQEAMWLD